The following is an entry in ClinVar:

NM_138694.4(PKHD1):c.1262C>G (p.Thr421Ser)

Gene: PKHD1 (PKHD1 ciliary IPT domain containing fibrocystin/polyductin; minus strand). Cytogenetic location: 6p12.2.
Variant type: single nucleotide variant.
Coding change: c.1262C>G on transcript NM_138694.4 (MANE Select); coding-DNA position 1262, C replaced by G.
Protein change: p.Thr421Ser; replaces threonine 421 with serine.
Molecular consequence: missense variant.
Genome position (GRCh38, 1-based): chr6:52,058,573, G>C on the plus strand (C>G on the coding strand, the complement: PKHD1 is on the minus strand). VCF-style: chr6-52058573-G-C. GRCh37 (hg19) VCF-style: chr6-51923371-G-C.
Other names: c.1262C>G, p.Thr421Ser (NM_170724.3); short protein forms T421S.
Identifiers: ClinVar variation 3731451 (VCV003731451.1).
Genomic context (GRCh38, chr6:52,058,573, plus strand): 5'-GTCTTCTGCTGCCAGGTCCCTTCATCCCTATTCTGCTCCCAGGAGTCAAACCAGTCAGCA[G>C]TGCCGACGCTGATGGAGGCCACTTTCACCTATGCCCAAATAAGCATATCATGATCAATAC-3'
Protein context (NP_619639.3, residues 411-431): KVKVASISVG[Thr421Ser]ADWFDSWEQN

ClinVar aggregate classification (germline): Uncertain significance (1 of 4 stars; one submission).

Conditions:
Polycystic kidney disease 4 (PKD4). Also called: POLYCYSTIC KIDNEY DISEASE 4 WITH OR WITHOUT POLYCYSTIC LIVER DISEASE; POLYCYSTIC KIDNEY AND HEPATIC DISEASE 1; POLYCYSTIC KIDNEY DISEASE, INFANTILE, TYPE I; PKD3; Autosomal Recessive Polycystic Kidney Disease – PKHD1. Identifiers: MedGen C4540575, MONDO:0033004, OMIM 263200.

Submission:

Neuberg Centre For Genomic Medicine, NCGM
Classification: Uncertain significance for Polycystic kidney disease 4. Review status: criteria provided, single submitter. Criteria: ACMG Guidelines, 2015. Collection method: clinical testing. Allele origin: germline. Inheritance: Autosomal recessive inheritance. Affected: yes.
Comment: The observed missense variant c.1262C>G(p.Thr421Ser) in PKHD1 gene has not been reported previously as a pathogenic variant nor as a benign variant, to our knowledge. This variant is absent in gnomAD Exomes. The amino acid Thr at position 421 is changed to a Ser changing protein sequence and it might alter its composition and physico-chemical properties. Multiple lines of computational evidence (Polyphen-Benign, SIFT-Tolerated and MutationTaster-Polymorphic) predict no damaging effect on protein structure and function for this variant. For these reasons, this variant has been classified as Uncertain Significance.